The following is an entry in ClinVar:

ClinVar aggregate classification (germline): Uncertain significance (1 of 4 stars; one submission).

gnomAD v4.1: 3 of 1,613,294 alleles (0.00019%); highest among the groups gnomAD compares: Non-Finnish European, 0.00025%; no homozygotes.

Submission:

Labcorp Genetics (formerly Invitae), Labcorp
Classification: Uncertain significance. Last evaluated: 2024-08-04. Review status: criteria provided, single submitter. Criteria: Invitae Variant Classification Sherloc (09022015). Collection method: clinical testing. Allele origin: germline.
Comment: This sequence change replaces threonine, which is neutral and polar, with isoleucine, which is neutral and non-polar, at codon 204 of the KMT2A protein (p.Thr204Ile). The frequency data for this variant in the population databases is considered unreliable, as metrics indicate poor data quality at this position in the gnomAD database. This variant has not been reported in the literature in individuals affected with KMT2A-related conditions. Advanced modeling of protein sequence and biophysical properties (such as structural, functional, and spatial information, amino acid conservation, physicochemical variation, residue mobility, and thermodynamic stability) performed at Invitae indicates that this missense variant is not expected to disrupt KMT2A protein function with a negative predictive value of 95%. In summary, the available evidence is currently insufficient to determine the role of this variant in disease. Therefore, it has been classified as a Variant of Uncertain Significance.

NM_001197104.2(KMT2A):c.611C>T (p.Thr204Ile)

Gene: KMT2A (lysine methyltransferase 2A; plus strand). Cytogenetic location: 11q23.3.
Variant type: single nucleotide variant.
Coding change: c.611C>T on transcript NM_001197104.2 (MANE Select); coding-DNA position 611, C replaced by T.
Protein change: p.Thr204Ile; replaces threonine 204 with isoleucine.
Molecular consequence: missense variant.
Genome position (GRCh38, 1-based): chr11:118,471,770, C>T. VCF-style: chr11-118471770-C-T. GRCh37 (hg19) VCF-style: chr11-118342485-C-T.
Other names: c.710C>T, p.Thr237Ile (NM_001412597.1); c.611C>T, p.Thr204Ile (NM_005933.4); short protein forms T237I, T204I.
Identifiers: ClinVar variation 3672415 (VCV003672415.2).